The following is an entry in ClinVar:

ClinVar aggregate classification (germline): Benign. Review status: reviewed by expert panel (3 of 4 stars). 41 submissions from 39 submitters: Benign (1). 40 of the submissions do not count toward it. Last evaluated 2015-01-12.

Conditions:
Hereditary cancer-predisposing syndrome. Also called: Tumor predisposition; Neoplastic Syndromes, Hereditary; Hereditary Cancer Syndrome; Hereditary neoplastic syndrome. Identifiers: Orphanet 140162, MedGen C0027672, MeSH D009386, MONDO:0015356.
Fanconi anemia complementation group D1. Also called: BRCA2-Related Fanconi Anemia. Identifiers: Orphanet 319462, MedGen C1838457, MONDO:0011584, OMIM 605724.
Medulloblastoma (MDB). Also called: Medulloblastoma, somatic; MEDULLOBLASTOMA PREDISPOSITION SYNDROME. Identifiers: Orphanet 616, MedGen C0025149, MeSH D008527, MONDO:0007959, OMIM 155255, HP:0002885.
Breast-ovarian cancer, familial, susceptibility to, 2 (BROVCA2). Also called: BRCA2 Hereditary Breast and Ovarian Cancer. Identifiers: Orphanet 145, MedGen C2675520, MONDO:0012933, OMIM 612555. Disease mechanism: loss of function.
Wilms tumor 1 (WT1). Also called: Wilms tumor, somatic. Identifiers: Orphanet 654, MedGen CN033288, MONDO:0008679, OMIM 194070.
Pancreatic cancer, susceptibility to, 2. Identifiers: Orphanet 1333, MedGen C3150546, MONDO:0013235, OMIM 613347.
Glioma susceptibility 3 (GLM3). Also called: Glioblastoma 3. Identifiers: Orphanet 182067, Orphanet 360, MedGen C2751641, MONDO:0013093, OMIM 613029.
Prostate cancer. Also called: Malignant tumor of prostate. Identifiers: Orphanet 1331, MedGen C0376358, MONDO:0008315, HP:0012125.
Familial cancer of breast. Also called: Hereditary breast cancer; BREAST CANCER, FAMILIAL; hereditary breast carcinoma. Identifiers: Orphanet 227535, MedGen C0346153, MONDO:0016419, OMIM 114480. Disease mechanism: loss of function.
Hereditary breast ovarian cancer syndrome. Also called: Hereditary breast and ovarian cancer syndrome; Hereditary breast and ovarian cancer; Hereditary breast and ovarian cancer syndrome (HBOC); Hereditary breast and/or ovarian cancer syndrome; Breast and ovarian cancer; BRCA1- and BRCA2-Associated Hereditary Breast and Ovarian Cancer. Identifiers: Orphanet 145, MedGen C0677776, MeSH D061325, MONDO:0003582. Disease mechanism: loss of function.
Breast carcinoma. Also called: Carcinoma of breast. Identifiers: MedGen C0678222, MONDO:0004989, HP:0003002.

Allele frequency attached by ClinVar (database versions not stated): gnomAD 0.04095 and 0.03693; TOPMed 0.04225; ESP Exome Variant Server 0.03117; 1000 Genomes Project 0.07368; 1000 Genomes Project 30x 0.07386.
gnomAD v4.1: 66,813 of 1,598,150 alleles (4.2%); highest among the groups gnomAD compares: East Asian, 12%; 2,166 homozygotes.

Submissions 1 to 19 of 41:

Evidence-based Network for the Interpretation of Germline Mutant Alleles (ENIGMA)
Classification: Benign for Breast-ovarian cancer, familial 2. Last evaluated: 2015-01-12. Review status: reviewed by expert panel. Criteria: ENIGMA BRCA1/2 Classification Criteria (2015). Collection method: curation. Allele origin: germline.
Comment: Class 1 not pathogenic based on frequency >1% in an outbred sampleset. Frequency 0.1049 (Asian), 0.01423 (African), 0.03694 (European), derived from 1000 genomes (2012-04-30).

Labcorp Genetics (formerly Invitae), Labcorp
Classification: Benign for Hereditary breast ovarian cancer syndrome. Last evaluated: 2026-02-04. Review status: criteria provided, single submitter. Criteria: Invitae Variant Classification Sherloc (09022015). Collection method: clinical testing. Allele origin: germline. Not counted in ClinVar's aggregate classification.

CeGaT Center for Human Genetics Tuebingen
Classification: Benign. Last evaluated: 2025-11-01. Review status: criteria provided, single submitter. Criteria: CeGaT Center For Human Genetics Tuebingen Variant Classification Criteria Version 2. Collection method: clinical testing. Allele origin: germline. Affected: yes. Observed: 1 variant allele. Not counted in ClinVar's aggregate classification.
Comment: BRCA2: BP4, BS1, BS2

ARUP Laboratories, Molecular Genetics and Genomics, ARUP Laboratories
Classification: Benign. Last evaluated: 2025-07-31. Review status: criteria provided, single submitter. Criteria: ARUP Molecular Germline Variant Investigation Process 2024. Collection method: clinical testing. Allele origin: germline. Not counted in ClinVar's aggregate classification.

Center for Genomic Medicine, Rigshospitalet, Copenhagen University Hospital
Classification: Benign. Last evaluated: 2025-03-04. Review status: criteria provided, single submitter. Criteria: ACMG Guidelines, 2015. Collection method: clinical testing. Allele origin: germline. Not counted in ClinVar's aggregate classification.

KCCC/NGS Laboratory, Kuwait Cancer Control Center
Classification: Benign for Familial cancer of breast. Last evaluated: 2025-02-01. Review status: criteria provided, single submitter. Criteria: ACMG Guidelines, 2015. Collection method: clinical testing. Allele origin: germline. Affected: no. Not counted in ClinVar's aggregate classification.

Blueprint Genetics
Classification: Benign. Last evaluated: 2024-11-27. Review status: criteria provided, single submitter. Criteria: ACMG Guidelines, 2015. Collection method: clinical testing. Allele origin: germline. Not counted in ClinVar's aggregate classification.

All of Us Research Program, National Institutes of Health
Classification: Benign for Breast-ovarian cancer, familial, susceptibility to, 2. Last evaluated: 2024-02-05. Review status: criteria provided, single submitter. Criteria: ACMG Guidelines, 2015. Collection method: clinical testing. Allele origin: germline. Inheritance: Autosomal dominant inheritance. Observed: 8,404 variant alleles, 8,190 heterozygotes, 214 homozygotes. Not counted in ClinVar's aggregate classification.
Comment: This study involves interpretation of variants in research participants for the purpose of population health screening. Participant phenotype was not available at the time of variant classification. Additional details can be found in publication PMID: 35346344, PMCID: PMC8962531

KCCC/NGS Laboratory, Kuwait Cancer Control Center
Classification: Benign for Breast-ovarian cancer, familial, susceptibility to, 2. Last evaluated: 2023-07-07. Review status: criteria provided, single submitter. Criteria: ACMG Guidelines, 2015. Collection method: clinical testing. Allele origin: germline. Affected: yes. Not counted in ClinVar's aggregate classification.

Fulgent Genetics
Classification: Benign for Familial cancer of breast; Medulloblastoma; Familial prostate cancer; Wilms tumor 1; Fanconi anemia complementation group D1; Breast-ovarian cancer, familial, susceptibility to, 2; Glioma susceptibility 3; Pancreatic cancer, susceptibility to, 2. Last evaluated: 2022-04-28. Review status: criteria provided, single submitter. Criteria: ACMG Guidelines, 2015. Collection method: clinical testing. Allele origin: unknown. Not counted in ClinVar's aggregate classification.

National Health Laboratory Service, Universitas Academic Hospital and University of the Free State
Classification: Benign for Hereditary breast ovarian cancer syndrome. Last evaluated: 2022-04-19. Review status: criteria provided, single submitter. Criteria: ACMG Guidelines, 2015. Collection method: clinical testing. Allele origin: germline. Affected: yes. Observed: 81 variant alleles. Not counted in ClinVar's aggregate classification.

Genetics Program, Instituto Nacional de Cancer
Classification: Benign for Hereditary breast ovarian cancer syndrome. Last evaluated: 2021-11-01. Review status: criteria provided, single submitter. Criteria: ACMG Guidelines, 2015. Collection method: research. Allele origin: germline. Affected: yes. Not counted in ClinVar's aggregate classification.

Sema4
Classification: Benign for Hereditary cancer-predisposing syndrome. Last evaluated: 2020-01-02. Review status: criteria provided, single submitter. Criteria: Sema4 Curation Guidelines. Collection method: curation. Allele origin: germline. Not counted in ClinVar's aggregate classification.

Center for Medical Genomics, Faculty of Medicine, Ramathibodi Hospital, Mahidol University
Classification: Benign for Breast carcinoma. Last evaluated: 2019-04-18. Review status: criteria provided, single submitter. Criteria: ACMG Guidelines, 2015. Collection method: clinical testing. Allele origin: germline. Affected: yes. Not counted in ClinVar's aggregate classification.

Illumina Laboratory Services, Illumina
Classification: Benign for Fanconi anemia complementation group D1. Last evaluated: 2018-01-13. Review status: criteria provided, single submitter. Criteria: ICSL Variant Classification Criteria 13 December 2019. Collection method: clinical testing. Allele origin: germline. Not counted in ClinVar's aggregate classification.
Comment: This variant was observed in the ICSL laboratory as part of a predisposition screen in an ostensibly healthy population. It had not been previously curated by ICSL or reported in the Human Gene Mutation Database (HGMD: prior to June 1st, 2018), and was therefore a candidate for classification through an automated scoring system. Utilizing variant allele frequency, disease prevalence and penetrance estimates, and inheritance mode, an automated score was calculated to assess if this variant is too frequent to cause the disease. Based on the score and internal cut-off values, a variant classified as benign is not then subjected to further curation. The score for this variant resulted in a classification of benign for this disease.

Illumina Laboratory Services, Illumina
Classification: Benign for Breast-ovarian cancer, familial, susceptibility to, 2. Last evaluated: 2018-01-13. Review status: criteria provided, single submitter. Criteria: ICSL Variant Classification Criteria 13 December 2019. Collection method: clinical testing. Allele origin: germline. Not counted in ClinVar's aggregate classification.
Comment: the same text as in the submission from Illumina Laboratory Services, Illumina above.

GeneKor MSA
Classification: Benign. Last evaluated: 2017-11-01. Review status: criteria provided, single submitter. Criteria: ACMG Guidelines, 2015. Collection method: clinical testing. Allele origin: germline. Affected: yes. Not counted in ClinVar's aggregate classification.

Cancer Genetics and Genomics Laboratory, British Columbia Cancer Agency
Classification: Benign. Last evaluated: 2017-04-18. Review status: criteria provided, single submitter. Criteria: ACMG Guidelines, 2015. Collection method: clinical testing. Allele origin: germline. Study: The Canadian Open Genetics Repository (COGR). Not counted in ClinVar's aggregate classification.

Baylor Genetics
Classification: Benign for Familial cancer of breast. Last evaluated: 2017-02-23. Review status: criteria provided, single submitter. Criteria: ACMG Guidelines, 2015. Collection method: clinical testing. Allele origin: germline. Inheritance: Autosomal dominant inheritance. Affected: no. Not counted in ClinVar's aggregate classification.

NM_000059.4(BRCA2):c.865A>C (p.Asn289His)

Gene: BRCA2 (BRCA2 DNA repair associated; plus strand). Cytogenetic location: 13q13.1.
Variant type: single nucleotide variant.
Coding change: c.865A>C on transcript NM_000059.4 (MANE Select); coding-DNA position 865, A replaced by C.
Protein change: p.Asn289His; replaces asparagine 289 with histidine.
Molecular consequence: missense variant.
Genome position (GRCh38, 1-based): chr13:32,332,343, A>C. VCF-style: chr13-32332343-A-C. GRCh37 (hg19) VCF-style: chr13-32906480-A-C.
Other names: p.N289H:AAT>CAT; 1093 A>C; NP_000050.3:p.Asn289His; 1093A>C; short protein forms N289H.
Identifiers: ClinVar variation 41567 (VCV000041567.105), dbSNP rs766173, ClinGen allele CA025765.